The following is an entry in ClinVar:

NM_000383.4(AIRE):c.1566+6G>A

Gene: AIRE (autoimmune regulator; plus strand). Cytogenetic location: 21q22.3.
Variant type: single nucleotide variant.
Coding change: c.1566+6G>A on transcript NM_000383.4 (MANE Select); 6 bases into the intron after coding-DNA position 1566, G replaced by A.
Molecular consequence: intron variant.
Genome position (GRCh38, 1-based): chr21:44,296,451, G>A. VCF-style: chr21-44296451-G-A. GRCh37 (hg19) VCF-style: chr21-45716334-G-A.
Identifiers: ClinVar variation 2889265 (VCV002889265.3), dbSNP rs915989190, ClinGen allele CA10052182.

ClinVar aggregate classification (germline): Uncertain significance. Review status: criteria provided, multiple submitters, no conflicts (2 of 4 stars). 2 submissions from 2 submitters: Uncertain significance (2). Last evaluated 2026-06-21.

Conditions:
Polyglandular autoimmune syndrome, type 1 (APS1). Also called: AUTOIMMUNE POLYENDOCRINE SYNDROME, TYPE I, WITH OR WITHOUT REVERSIBLE METAPHYSEAL DYSPLASIA; APS I; HYPOADRENOCORTICISM WITH HYPOPARATHYROIDISM AND SUPERFICIAL MONILIASIS; PGA I; Autoimmune polyendocrine syndrome type 1; Whitaker syndrome. Identifiers: Orphanet 3453, MedGen C0085859, MONDO:0009411, OMIM 240300.

Allele frequency attached by ClinVar (database versions not stated): ExAC 0.00001; TOPMed 0.00002; gnomAD exomes 0.00001.

Submissions (2):

Women's Health and Genetics/Laboratory Corporation of America, LabCorp
Classification: Uncertain significance. Last evaluated: 2026-06-21. Review status: criteria provided, single submitter. Criteria: LabCorp Variant Classification Summary - May 2015. Collection method: clinical testing. Allele origin: germline.

Labcorp Genetics (formerly Invitae), Labcorp
Classification: Uncertain significance for Polyglandular autoimmune syndrome, type 1. Last evaluated: 2025-06-10. Review status: criteria provided, single submitter. Criteria: Invitae Variant Classification Sherloc (09022015). Collection method: clinical testing. Allele origin: germline.
Comment: This sequence change falls in intron 13 of the AIRE gene. It does not directly change the encoded amino acid sequence of the AIRE protein. It affects a nucleotide within the consensus splice site. This variant is present in population databases (no rsID available, gnomAD 0.003%). This variant has not been reported in the literature in individuals affected with AIRE-related conditions. ClinVar contains an entry for this variant (Variation ID: 2889265). Variants that disrupt the consensus splice site are a relatively common cause of aberrant splicing (PMID: 17576681, 9536098). Algorithms developed to predict the effect of sequence changes on RNA splicing suggest that this variant is not likely to affect RNA splicing. In summary, the available evidence is currently insufficient to determine the role of this variant in disease. Therefore, it has been classified as a Variant of Uncertain Significance.

Literature cited by the submitters: PubMed 17576681 (cited by Labcorp Genetics (formerly Invitae), Labcorp); PubMed 9536098 (cited by Labcorp Genetics (formerly Invitae), Labcorp).